The following is an entry in ClinVar:

NM_000702.4(ATP1A2):c.1202C>T (p.Thr401Ile)

Gene: ATP1A2 (ATPase Na+/K+ transporting subunit alpha 2; plus strand). Cytogenetic location: 1q23.2.
Variant type: single nucleotide variant.
Coding change: c.1202C>T on transcript NM_000702.4 (MANE Select); coding-DNA position 1202, C replaced by T.
Protein change: p.Thr401Ile; replaces threonine 401 with isoleucine.
Molecular consequence: missense variant.
Genome position (GRCh38, 1-based): chr1:160,128,836, C>T. VCF-style: chr1-160128836-C-T. GRCh37 (hg19) VCF-style: chr1-160098626-C-T.
Other names: short protein forms T401I.
Identifiers: ClinVar variation 4526934 (VCV004526934.1).

ClinVar aggregate classification (germline): Uncertain significance (1 of 4 stars; one submission).

Submission:

GeneDx
Classification: Uncertain significance. Last evaluated: 2025-04-23. Review status: criteria provided, single submitter. Criteria: GeneDx Variant Classification Process June 2021. Collection method: clinical testing. Allele origin: germline. Affected: yes.
Comment: Not observed at significant frequency in large population cohorts (gnomAD); In silico analysis supports that this missense variant has a deleterious effect on protein structure/function; Has not been previously published as pathogenic or benign to our knowledge; This variant is associated with the following publications: (PMID: 18184292, 27535533)